The following is an entry in ClinVar:

NM_001365951.3(KIF1B):c.2115+6835C>T

Gene: KIF1B (kinesin family member 1B; plus strand). Cytogenetic location: 1p36.22.
Variant type: single nucleotide variant.
Coding change: c.2115+6835C>T on transcript NM_001365951.3 (MANE Select); 6835 bases into the intron after coding-DNA position 2115, C replaced by T.
Molecular consequence: intron variant. On other transcripts: missense variant (2).
Genome position (GRCh38, 1-based): chr1:10,304,081, C>T. VCF-style: chr1-10304081-C-T. GRCh37 (hg19) VCF-style: chr1-10364139-C-T.
Other names: c.2896C>T (NM_183416.3); c.2896C>T, p.Pro966Ser (NM_001365953.1, NM_183416.4); c.1977+6835C>T (NM_015074.3); c.2115+6835C>T (NM_001365952.1); short protein forms P966S.
Identifiers: ClinVar variation 806055 (VCV000806055.46), dbSNP rs140733878, ClinGen allele CA581325.

ClinVar aggregate classification (germline): Conflicting classifications of pathogenicity. Review status: criteria provided, conflicting classifications (1 of 4 stars). 7 submissions from 7 submitters: Uncertain significance (3); Likely benign (1). 3 of the submissions do not count toward it. Last evaluated 2026-03-24.

Conditions:
KIF1B-related disorder. Also called: KIF1B-related condition.

Allele frequency attached by ClinVar (database versions not stated): 1000 Genomes Project 0.00020; ExAC 0.00020; gnomAD 0.00026; TOPMed 0.00026; 1000 Genomes Project 30x 0.00031; gnomAD exomes 0.00033; ESP Exome Variant Server 0.00062.
gnomAD v4.1: 511 of 1,613,924 alleles (0.032%); highest among the groups gnomAD compares: Middle Eastern, 0.13%; no homozygotes.

Submissions (7):

Dasa
Classification: Uncertain significance. Last evaluated: 2026-03-24. Review status: criteria provided, single submitter. Criteria: DASA Assertion Criteria. Collection method: clinical testing. Allele origin: germline.
Comment: NM_001365953.1(KIF1B):c.2896C>T (p.Pro966Ser) is a missense variant that results in the substitution of proline with serine. This variant is rare in population databases. The currently available literature and clinical evidence are not sufficient to establish a definitive association between this variant and the reported condition. Therefore, this variant is classified as a variant of uncertain significance.

CeGaT Center for Human Genetics Tuebingen
Classification: Likely benign. Last evaluated: 2022-09-01. Review status: criteria provided, single submitter. Criteria: CeGaT Center For Human Genetics Tuebingen Variant Classification Criteria Version 2. Collection method: clinical testing. Allele origin: germline. Affected: yes. Observed: 1 variant allele.
Comment: KIF1B: PP2, BP4, BS2

Institute for Clinical Genetics, University Hospital TU Dresden, University Hospital TU Dresden
Classification: Uncertain significance. Last evaluated: 2021-11-03. Review status: criteria provided, single submitter. Criteria: ACMG Guidelines, 2015. Collection method: clinical testing. Allele origin: germline.

Breakthrough Genomics
Classification: Uncertain significance. Review status: criteria provided, single submitter. Criteria: ACMG Guidelines, 2015. Collection method: not provided. Allele origin: germline. Inheritance: Autosomal dominant inheritance. Affected: yes.

PreventionGenetics, part of Exact Sciences
Classification: Uncertain significance for KIF1B-related condition. Last evaluated: 2024-05-28. Review status: no assertion criteria provided. Collection method: clinical testing. Allele origin: germline. Not counted in ClinVar's aggregate classification.
Comment: The KIF1B c.2896C>T variant is predicted to result in the amino acid substitution p.Pro966Ser. To our knowledge, this variant has not been reported in the literature. This variant is reported in 0.028% of alleles in individuals of European (Non-Finnish) descent in gnomAD. In ClinVar, this variant has conflicting interpretations of likely benign and uncertain significance. At this time, the clinical significance of this variant is uncertain due to the absence of conclusive functional and genetic evidence.

Clinical Genetics, Academic Medical Center
Classification: Likely benign. Review status: no assertion criteria provided. Collection method: clinical testing. Allele origin: germline. Affected: yes. Study: VKGL Data-share Consensus. Not counted in ClinVar's aggregate classification.

Laboratory of Diagnostic Genome Analysis, Leiden University Medical Center (LUMC)
Classification: Likely benign. Review status: no assertion criteria provided. Collection method: clinical testing. Allele origin: germline. Affected: yes. Study: VKGL Data-share Consensus. Not counted in ClinVar's aggregate classification.